The following is an entry in ClinVar:

ClinVar aggregate classification (germline): Uncertain significance (1 of 4 stars; one submission).

gnomAD v4.1: 26 of 1,614,078 alleles (0.0016%); highest among the groups gnomAD compares: Non-Finnish European, 0.0021%; no homozygotes.

Submission:

Labcorp Genetics (formerly Invitae), Labcorp
Classification: Uncertain significance. Last evaluated: 2025-01-29. Review status: criteria provided, single submitter. Criteria: Invitae Variant Classification Sherloc (09022015). Collection method: clinical testing. Allele origin: germline.
Comment: This sequence change replaces alanine, which is neutral and non-polar, with glycine, which is neutral and non-polar, at codon 759 of the IGF1R protein (p.Ala759Gly). This variant is present in population databases (rs751145913, gnomAD 0.003%). This variant has not been reported in the literature in individuals affected with IGF1R-related conditions. Invitae Evidence Modeling of protein sequence and biophysical properties (such as structural, functional, and spatial information, amino acid conservation, physicochemical variation, residue mobility, and thermodynamic stability) indicates that this missense variant is not expected to disrupt IGF1R protein function with a negative predictive value of 80%. In summary, the available evidence is currently insufficient to determine the role of this variant in disease. Therefore, it has been classified as a Variant of Uncertain Significance.

NM_000875.5(IGF1R):c.2276C>G (p.Ala759Gly)

Gene: IGF1R (insulin like growth factor 1 receptor; plus strand). Cytogenetic location: 15q26.3.
Variant type: single nucleotide variant.
Coding change: c.2276C>G on transcript NM_000875.5 (MANE Select); coding-DNA position 2276, C replaced by G.
Protein change: p.Ala759Gly; replaces alanine 759 with glycine.
Molecular consequence: missense variant.
Genome position (GRCh38, 1-based): chr15:98,922,222, C>G. VCF-style: chr15-98922222-C-G. GRCh37 (hg19) VCF-style: chr15-99465451-C-G.
Other names: c.2276C>G, p.Ala759Gly (NM_001291858.2); short protein forms A759G.
Identifiers: ClinVar variation 4753860 (VCV004753860.1).